The following is an entry in ClinVar:

ClinVar aggregate classification (germline): Pathogenic (1 of 4 stars; one submission).

Submission:

Labcorp Genetics (formerly Invitae), Labcorp
Classification: Pathogenic. Last evaluated: 2022-03-03. Review status: criteria provided, single submitter. Criteria: Invitae Variant Classification Sherloc (09022015). Collection method: clinical testing. Allele origin: germline.
Comment: For these reasons, this variant has been classified as Pathogenic. This variant has not been reported in the literature in individuals affected with SLC26A4-related conditions. This variant is a gross deletion of the genomic region encompassing exon(s) 1-6 of the SLC26A4 gene, which includes the initiator codon. This deletion extends beyond the assayed region for this gene and therefore may encompass additional genes. It is expected to result in an absent or disrupted protein product. Loss-of-function variants in SLC26A4 are known to be pathogenic (PMID: 16283880, 25394566, 26252218, 26445815).

Literature cited by the submitters: PubMed 16283880; PubMed 25394566; PubMed 26252218; PubMed 26445815.

NC_000007.13:g.(?_107301201)_(107315564_?)del

Gene: SLC26A4 (solute carrier family 26 member 4; plus strand). Cytogenetic location: 7q22.3.
Variant type: Deletion.
Identifiers: ClinVar variation 2423094 (VCV002423094.4).